The following is an entry in ClinVar:

ClinVar aggregate classification (germline): Uncertain significance. Review status: criteria provided, multiple submitters, no conflicts (2 of 4 stars). 2 submissions from 2 submitters: Uncertain significance (2). Last evaluated 2025-10-23.

Conditions:
Cardiovascular phenotype. Identifiers: MedGen CN230736.
Congenital contractural arachnodactyly (CCA). Also called: BEALS SYNDROME; Beals-Hecht syndrome; Arthrogryposis, distal, type 9. Identifiers: Orphanet 115, MedGen C0220668, MONDO:0007363, OMIM 121050.

Allele frequency attached by ClinVar (database versions not stated): ExAC 0.00001; gnomAD 0.00001; gnomAD exomes 0.00001; TOPMed 0.00001.

Submissions (2):

Labcorp Genetics (formerly Invitae), Labcorp
Classification: Uncertain significance for Congenital contractural arachnodactyly. Last evaluated: 2025-10-23. Review status: criteria provided, single submitter. Criteria: Invitae Variant Classification Sherloc (09022015). Collection method: clinical testing. Allele origin: germline.
Comment: This sequence change replaces methionine, which is neutral and non-polar, with valine, which is neutral and non-polar, at codon 1320 of the FBN2 protein (p.Met1320Val). This variant is present in population databases (rs759481427, gnomAD 0.003%). This variant has not been reported in the literature in individuals affected with FBN2-related conditions. ClinVar contains an entry for this variant (Variation ID: 263631). Invitae Evidence Modeling of protein sequence and biophysical properties (such as structural, functional, and spatial information, amino acid conservation, physicochemical variation, residue mobility, and thermodynamic stability) has been performed for this missense variant. However, the output from this modeling did not meet the statistical confidence thresholds required to predict the impact of this variant on FBN2 protein function. In summary, the available evidence is currently insufficient to determine the role of this variant in disease. Therefore, it has been classified as a Variant of Uncertain Significance.

Ambry Genetics
Classification: Uncertain significance for Cardiovascular phenotype. Last evaluated: 2013-05-31. Review status: criteria provided, single submitter. Criteria: Ambry Autosomal Dominant and X-Linked criteria (10/2015). Collection method: clinical testing. Allele origin: germline. Observed: 1 variant allele.
Comment: There is insufficient or conflicting evidence for classification of this alteration.

NM_001999.4(FBN2):c.3958A>G (p.Met1320Val)

Gene: FBN2 (fibrillin 2; minus strand). Cytogenetic location: 5q23.3.
Variant type: single nucleotide variant.
Coding change: c.3958A>G on transcript NM_001999.4 (MANE Select); coding-DNA position 3958, A replaced by G.
Protein change: p.Met1320Val; replaces methionine 1320 with valine.
Molecular consequence: missense variant.
Genome position (GRCh38, 1-based): chr5:128,335,185, T>C on the plus strand (A>G on the coding strand, the complement: FBN2 is on the minus strand). VCF-style: chr5-128335185-T-C. GRCh37 (hg19) VCF-style: chr5-127670877-T-C.
Other names: short protein forms M1320V.
Identifiers: ClinVar variation 263631 (VCV000263631.4), dbSNP rs759481427, ClinGen allele CA3395097.